The following continues an entry in ClinVar:

NM_000059.4(BRCA2):c.7958T>C (p.Leu2653Pro)

Gene: BRCA2. ClinVar aggregate classification (germline): Pathogenic/Likely pathogenic. Pathogenic (7); Likely pathogenic (4).

Submissions 7 to 13 of 13:

Department of Pathology and Laboratory Medicine, Sinai Health System
Classification: Likely pathogenic for Familial cancer of breast; Breast-ovarian cancer, familial, susceptibility to, 2. Last evaluated: 2022-10-14. Review status: criteria provided, single submitter. Criteria: ACMG Guidelines, 2015. Collection method: clinical testing. Allele origin: germline. Affected: yes.

Baylor Genetics
Classification: Pathogenic for Familial cancer of breast. Last evaluated: 2022-01-01. Review status: criteria provided, single submitter. Criteria: ACMG Guidelines, 2015. Collection method: clinical testing. Allele origin: unknown.

Laboratory for Molecular Medicine, Mass General Brigham Personalized Medicine
Classification: Likely pathogenic for Hereditary breast ovarian cancer syndrome. Last evaluated: 2019-10-14. Review status: criteria provided, single submitter. Criteria: ACMG Guidelines, 2015. Collection method: clinical testing. Allele origin: germline.
Comment: The p.Leu2653Pro variant in BRCA2 has been reported in at least 3 individuals with breast cancer (Easton 2007, BIC database) and was absent from large population studies, but has been reported in Clinvar (Variation ID: 52447). In vitro assays provide some evidence that this variant impacts protein function (Biswas 2012, Guidugli 2014, Bernards 2016, Guidugli 2018, Mesman 2018); however, these types of assays may not accurately represent biological function. Computational prediction tools and conservation analyses suggest that this variant may impact the protein, though this information is not predictive enough to determine pathogenicity. In summary, although additional studies are required to fully establish its clinical significance, this variant meets criteria to be classified as likely pathogenic for autosomal dominant hereditary breast and ovarian cancer syndrome (HBOC). ACMG/AMP Criteria applied: PM2, PS3_Moderate, PP3, PS4_Supporting.

CHEO Genetics Diagnostic Laboratory, Children's Hospital of Eastern Ontario
Classification: Likely pathogenic for Breast and/or ovarian cancer. Last evaluated: 2017-08-28. Review status: criteria provided, single submitter. Criteria: ACMG Guidelines, 2015. Collection method: clinical testing. Allele origin: germline. Study: Canadian Open Genetics Repository.

Consortium of Investigators of Modifiers of BRCA1/2 (CIMBA), c/o University of Cambridge
Classification: Pathogenic for Breast-ovarian cancer, familial, susceptibility to, 2. Last evaluated: 2015-10-02. Review status: criteria provided, single submitter. Criteria: CIMBA Mutation Classification guidelines May 2016. Collection method: clinical testing. Allele origin: germline.

Sharing Clinical Reports Project (SCRP)
Classification: Likely pathogenic for Breast-ovarian cancer, familial 2. Last evaluated: 2012-08-15. Review status: no assertion criteria provided. Collection method: clinical testing. Allele origin: germline. Not counted in ClinVar's aggregate classification.

Breast Cancer Information Core (BIC) (BRCA2)
Classification: Uncertain significance for Breast-ovarian cancer, familial 2. Last evaluated: 2002-05-29. Review status: flagged submission. Collection method: clinical testing. Allele origin: germline. Affected: yes. Observed: 4 variant alleles. Not counted in ClinVar's aggregate classification.
ClinVar note: Reason: Older and outlier claim with insufficient supporting evidence

Literature cited by the submitters: PubMed 17924331 (cited by Ambry Genetics and Quest Diagnostics Nichols Institute San Juan Capistrano); PubMed 18451181 (cited by 4 submitters); PubMed 19043619 (cited by Ambry Genetics and Quest Diagnostics Nichols Institute San Juan Capistrano); PubMed 21990134 (cited by Ambry Genetics and Quest Diagnostics Nichols Institute San Juan Capistrano); PubMed 22678057 (cited by 6 submitters); PubMed 23108138 (cited by 5 submitters); PubMed 24323938 (cited by 4 submitters); PubMed 26718727 (cited by 5 submitters); PubMed 29394989 (cited by 4 submitters); PubMed 29884841 (cited by Ambry Genetics); PubMed 29988080 (cited by 3 submitters); PubMed 33609447 (cited by 3 submitters); PubMed 36169650 (cited by Ambry Genetics and Quest Diagnostics Nichols Institute San Juan Capistrano); PubMed 29446198 (cited by Quest Diagnostics Nichols Institute San Juan Capistrano and Women's Health and Genetics/Laboratory Corporation of America, LabCorp); PubMed 11698567 (cited by Quest Diagnostics Nichols Institute San Juan Capistrano); PubMed 24333842 (cited by 3 submitters); PubMed 29061967 (cited by Quest Diagnostics Nichols Institute San Juan Capistrano and Labcorp Genetics (formerly Invitae), Labcorp); PubMed 29371908 (cited by 3 submitters); PubMed 33804961 (cited by Quest Diagnostics Nichols Institute San Juan Capistrano); PubMed 21218378 (cited by Women's Health and Genetics/Laboratory Corporation of America, LabCorp); PubMed 28294317 (cited by Women's Health and Genetics/Laboratory Corporation of America, LabCorp); PubMed 30322717 (cited by Women's Health and Genetics/Laboratory Corporation of America, LabCorp); PubMed 32444794 (cited by Women's Health and Genetics/Laboratory Corporation of America, LabCorp).